The following is an entry in ClinVar:

ClinVar aggregate classification (germline): Benign. Review status: criteria provided, multiple submitters, no conflicts (2 of 4 stars). 4 submissions from 4 submitters: Benign (2). 2 of the submissions do not count toward it. Last evaluated 2026-02-01.

Conditions:
RTTN-related disorder. Also called: RTTN-related condition.

Allele frequency attached by ClinVar (database versions not stated): gnomAD exomes 0.00127; ExAC 0.00158; 1000 Genomes Project 30x 0.00437; gnomAD 0.00457 and 0.00497; 1000 Genomes Project 0.00499; TOPMed 0.00522; ESP Exome Variant Server 0.00547.
gnomAD v4.1: 1,410 of 1,613,888 alleles (0.087%); highest among the groups gnomAD compares: African/African-American, 1.6%; 15 homozygotes.

Submissions (4):

Labcorp Genetics (formerly Invitae), Labcorp
Classification: Benign. Last evaluated: 2026-02-01. Review status: criteria provided, single submitter. Criteria: Invitae Variant Classification Sherloc (09022015). Collection method: clinical testing. Allele origin: germline.

GeneDx
Classification: Benign. Last evaluated: 2016-10-06. Review status: criteria provided, single submitter. Criteria: GeneDx Variant Classification (06012015). Collection method: clinical testing. Allele origin: germline. Affected: yes.
Comment: This variant is considered likely benign or benign based on one or more of the following criteria: it is a conservative change, it occurs at a poorly conserved position in the protein, it is predicted to be benign by multiple in silico algorithms, and/or has population frequency not consistent with disease.

PreventionGenetics, part of Exact Sciences
Classification: Benign for RTTN-related condition. Last evaluated: 2019-07-18. Review status: no assertion criteria provided. Collection method: clinical testing. Allele origin: germline. Not counted in ClinVar's aggregate classification.
Comment: This variant is classified as benign based on ACMG/AMP sequence variant interpretation guidelines (Richards et al. 2015 PMID: 25741868, with internal and published modifications).

Genetic Services Laboratory, University of Chicago
Classification: Likely benign for AllHighlyPenetrant. Review status: no assertion criteria provided. Collection method: clinical testing. Allele origin: germline. Inheritance: Autosomal recessive inheritance. Not counted in ClinVar's aggregate classification.
Comment: Likely benign based on allele frequency in 1000 Genomes Project or ESP global frequency and its presence in a patient with a rare or unrelated disease phenotype. NOT Sanger confirmed.

NM_173630.4(RTTN):c.6636T>C (p.Tyr2212=)

Gene: RTTN (rotatin; minus strand). Cytogenetic location: 18q22.2.
Variant type: single nucleotide variant.
Coding change: c.6636T>C on transcript NM_173630.4 (MANE Select); coding-DNA position 6636, T replaced by C.
Protein change: p.Tyr2212=; no amino-acid change (tyrosine 2212 retained).
Molecular consequence: synonymous variant.
Genome position (GRCh38, 1-based): chr18:70,004,196, A>G on the plus strand (T>C on the coding strand, the complement: RTTN is on the minus strand). VCF-style: chr18-70004196-A-G. GRCh37 (hg19) VCF-style: chr18-67671432-A-G.
Other names: c.3900T>C, p.Tyr1300= (NM_001318520.2).
Identifiers: ClinVar variation 130196 (VCV000130196.18), dbSNP rs35558429, ClinGen allele CA155030.